The following is an entry in ClinVar:

ClinVar aggregate classification (germline): Likely benign (1 of 4 stars; one submission).

gnomAD v4.1: 6,697 of 1,613,826 alleles (0.41%); highest among the groups gnomAD compares: Non-Finnish European, 0.44%; 33 homozygotes.

Submissions (3):

CeGaT Center for Human Genetics Tuebingen
Classification: Likely benign. Last evaluated: 2025-05-01. Review status: criteria provided, single submitter. Criteria: CeGaT Center For Human Genetics Tuebingen Variant Classification Criteria Version 2. Collection method: clinical testing. Allele origin: germline. Affected: yes. Observed: 1 variant allele.
Comment: SP140L: BP4, BS2

Dr. Peter K. Rogan Lab, Western University
No classification provided (evidence only). Condition: Sarcoma. Review status: no classification provided. Collection method: in vitro. Allele origin: not applicable. Functional consequence: retained intron. Not counted in ClinVar's aggregate classification.

Dr. Peter K. Rogan Lab, Western University
No classification provided (evidence only). Condition: Chronic lymphocytic leukemia/small lymphocytic lymphoma. Review status: no classification provided. Collection method: in vitro. Allele origin: not applicable. Functional consequence: skipped exon. Not counted in ClinVar's aggregate classification.

NM_138402.6(SP140L):c.977A>G (p.Lys326Arg)

Gene: SP140L (SP140 like nuclear body protein; plus strand). Cytogenetic location: 2q37.1.
Variant type: single nucleotide variant.
Coding change: c.977A>G on transcript NM_138402.6 (MANE Select); coding-DNA position 977, A replaced by G.
Protein change: p.Lys326Arg; replaces lysine 326 with arginine.
Molecular consequence: missense variant. On other transcripts: non-coding transcript variant (1).
Genome position (GRCh38, 1-based): chr2:230,392,099, A>G. VCF-style: chr2-230392099-A-G. GRCh37 (hg19) VCF-style: chr2-231256814-A-G.
Other names: NC_000002.11:g.231256814A>G; c.902A>G, p.Lys301Arg (NM_001308162.3); c.797A>G, p.Lys266Arg (NM_001308163.3, NM_001352894.2); c.977A>G, p.Lys326Arg (NM_001352892.2); c.872A>G, p.Lys291Arg (NM_001352893.2); short protein forms K266R, K291R, K301R, K326R.
Identifiers: ClinVar variation 3904858 (VCV003904858.11).